The following is an entry in ClinVar:

NM_001352754.2(ARMC9):c.725T>A (p.Ile242Asn)

Gene: ARMC9 (armadillo repeat containing 9; plus strand). Cytogenetic location: 2q37.1.
Variant type: single nucleotide variant.
Coding change: c.725T>A on transcript NM_001352754.2 (MANE Select); coding-DNA position 725, T replaced by A.
Protein change: p.Ile242Asn; replaces isoleucine 242 with asparagine.
Molecular consequence: missense variant. On other transcripts: non-coding transcript variant (1).
Genome position (GRCh38, 1-based): chr2:231,235,326, T>A. VCF-style: chr2-231235326-T-A. GRCh37 (hg19) VCF-style: chr2-232100039-T-A.
Other names: c.725T>A, p.Ile242Asn (NM_001271466.4, NM_001291656.2, NM_001352755.2 and 5 more transcripts); short protein forms I242N.
Identifiers: ClinVar variation 636241 (VCV000636241.7), dbSNP rs147777576, ClinGen allele CA66833097.
Genomic context (GRCh38, chr2:231,235,326, plus strand): 5'-GTAGGTCAGTGACATACCTCAAACGGTACAATAAGATCCAGGCCGACTACCACAATCTCA[T>A]TGGAGTCACAGCAGAGCTGGTGGATTCTCTAGAGGCCACAGTCAGCGGCAAGATGGTAAG-3'
Protein context (NP_001339683.2, residues 232-252): NKIQADYHNL[Ile242Asn]GVTAELVDSL

ClinVar aggregate classification (germline): Uncertain significance. Review status: criteria provided, multiple submitters, no conflicts (2 of 4 stars). 2 submissions from 2 submitters: Uncertain significance (2). Last evaluated 2022-07-26.

Conditions:
Joubert syndrome 30. Identifiers: MedGen C4539937, MONDO:0033308, OMIM 617622.

Allele frequency attached by ClinVar (database versions not stated): TOPMed 0.00004.
gnomAD v4.1: 7 of 1,614,100 alleles (0.00043%); highest among the groups gnomAD compares: African/African-American, 0.0053%; no homozygotes.

Submissions (2):

Labcorp Genetics (formerly Invitae), Labcorp
Classification: Uncertain significance. Last evaluated: 2022-07-26. Review status: criteria provided, single submitter. Criteria: Invitae Variant Classification Sherloc (09022015). Collection method: clinical testing. Allele origin: germline.
Comment: In summary, the available evidence is currently insufficient to determine the role of this variant in disease. Therefore, it has been classified as a Variant of Uncertain Significance. ClinVar contains an entry for this variant (Variation ID: 636241). This variant has not been reported in the literature in individuals affected with ARMC9-related conditions. This variant is not present in population databases (gnomAD no frequency). This sequence change replaces isoleucine, which is neutral and non-polar, with asparagine, which is neutral and polar, at codon 242 of the ARMC9 protein (p.Ile242Asn).

Undiagnosed Diseases Network, NIH
Classification: Uncertain significance for Joubert syndrome 30. Last evaluated: 2019-01-07. Review status: criteria provided, single submitter. Criteria: ACMG Guidelines, 2015. Collection method: clinical testing. Allele origin: maternal. Inheritance: Autosomal recessive inheritance. Affected: yes. Observed: 1 variant allele, 1 compound heterozygote.